The following is an entry in ClinVar:

ClinVar aggregate classification (germline): Uncertain significance. Review status: criteria provided, multiple submitters, no conflicts (2 of 4 stars). 5 submissions from 5 submitters: Uncertain significance (5). Last evaluated 2025-02-22.

Conditions:
SAMD9-related disorder. Also called: SAMD9-related condition.
Inborn genetic diseases. Identifiers: MedGen C0950123, MeSH D030342.

Allele frequency attached by ClinVar (database versions not stated): gnomAD exomes below 0.00001 and 0.00001.
gnomAD v4.1: 6 of 1,613,768 alleles (0.00037%); highest among the groups gnomAD compares: Admixed American, 0.01%; no homozygotes.

Submissions (5):

Ambry Genetics
Classification: Uncertain significance for Inborn genetic diseases. Last evaluated: 2025-02-22. Review status: criteria provided, single submitter. Criteria: Ambry Variant Classification Scheme 2023. Collection method: clinical testing. Allele origin: germline.

Labcorp Genetics (formerly Invitae), Labcorp
Classification: Uncertain significance. Last evaluated: 2025-02-10. Review status: criteria provided, single submitter. Criteria: Invitae Variant Classification Sherloc (09022015). Collection method: clinical testing. Allele origin: germline.
Comment: This sequence change replaces proline, which is neutral and non-polar, with glutamine, which is neutral and polar, at codon 552 of the SAMD9 protein (p.Pro552Gln). This variant is present in population databases (no rsID available, gnomAD 0.003%). This variant has not been reported in the literature in individuals affected with SAMD9-related conditions. ClinVar contains an entry for this variant (Variation ID: 1388065). Invitae Evidence Modeling of protein sequence and biophysical properties (such as structural, functional, and spatial information, amino acid conservation, physicochemical variation, residue mobility, and thermodynamic stability) indicates that this missense variant is not expected to disrupt SAMD9 protein function with a negative predictive value of 95%. In summary, the available evidence is currently insufficient to determine the role of this variant in disease. Therefore, it has been classified as a Variant of Uncertain Significance.

PreventionGenetics, part of Exact Sciences
Classification: Uncertain significance for SAMD9-related condition. Last evaluated: 2024-10-18. Review status: criteria provided, single submitter. Criteria: ACMG Guidelines, 2015. Collection method: clinical testing. Allele origin: germline.
Comment: The SAMD9 c.1655C>A variant is predicted to result in the amino acid substitution p.Pro552Gln. To our knowledge, this variant has not been reported in the literature. This variant is reported in 0.0029% of alleles in individuals of Latino descent in gnomAD. At this time, the clinical significance of this variant is uncertain due to the absence of conclusive functional and genetic evidence.

GeneDx
Classification: Uncertain significance. Last evaluated: 2022-07-01. Review status: criteria provided, single submitter. Criteria: GeneDx Variant Classification Process June 2021. Collection method: clinical testing. Allele origin: germline. Affected: yes.
Comment: Not observed at significant frequency in large population cohorts (gnomAD); In silico analysis supports that this missense variant does not alter protein structure/function; Has not been previously published as pathogenic or benign to our knowledge; This variant is associated with the following publications: (PMID: 28545555)

AiLife Diagnostics
Classification: Uncertain significance. Last evaluated: 2020-06-05. Review status: criteria provided, single submitter. Criteria: ACMG Guidelines, 2015. Collection method: clinical testing. Allele origin: germline. Affected: yes. Observed: 1 variant allele.

NM_017654.4(SAMD9):c.1655C>A (p.Pro552Gln)

Gene: SAMD9 (sterile alpha motif domain containing 9; minus strand). Cytogenetic location: 7q21.2.
Variant type: single nucleotide variant.
Coding change: c.1655C>A on transcript NM_017654.4 (MANE Select); coding-DNA position 1655, C replaced by A.
Protein change: p.Pro552Gln; replaces proline 552 with glutamine.
Molecular consequence: missense variant.
Genome position (GRCh38, 1-based): chr7:93,104,443, G>T on the plus strand (C>A on the coding strand, the complement: SAMD9 is on the minus strand). VCF-style: chr7-93104443-G-T. GRCh37 (hg19) VCF-style: chr7-92733756-G-T.
Other names: c.1655C>A, p.Pro552Gln (NM_001193307.2); short protein forms P552Q.
Identifiers: ClinVar variation 1388065 (VCV001388065.13), dbSNP rs1373912469, ClinGen allele CA368195471.